The following is an entry in ClinVar:

ClinVar aggregate classification (germline): Conflicting classifications of pathogenicity. Review status: criteria provided, conflicting classifications (1 of 4 stars). 5 submissions from 5 submitters: Uncertain significance (3); Likely benign (1). 1 of the submissions does not count toward it. Last evaluated 2026-04-01.

Conditions:
Inborn genetic diseases. Identifiers: MedGen C0950123, MeSH D030342.
Amyotrophic lateral sclerosis type 4 (ALS4). Also called: AMYOTROPHIC LATERAL SCLEROSIS 4, JUVENILE; NEURONOPATHY, DISTAL HEREDITARY MOTOR, WITH PYRAMIDAL FEATURES. Identifiers: Orphanet 357043, MedGen C1865409, MONDO:0011223, OMIM 602433.
Spinocerebellar ataxia, autosomal recessive, with axonal neuropathy 2 (SCAN2). Also called: ATAXIA-OCULOMOTOR APRAXIA 2; Ataxia-ocular apraxia-2; Ataxia with Oculomotor Apraxia; Ataxia with Oculomotor Apraxia Type 2. Identifiers: Orphanet 64753, MedGen C1853761, MONDO:0018996, OMIM 606002.
SETX-related disorder. Also called: SETX-related condition; SETX-related disorders. Identifiers: MedGen CN239403.

Allele frequency attached by ClinVar (database versions not stated): gnomAD 0.00001; TOPMed 0.00001; gnomAD exomes 0.00002 and 0.00004; ExAC 0.00005.
gnomAD v4.1: 65 of 1,613,828 alleles (0.004%); highest among the groups gnomAD compares: Non-Finnish European, 0.0054%; no homozygotes.

Submissions (5):

CeGaT Center for Human Genetics Tuebingen
Classification: Uncertain significance. Last evaluated: 2026-04-01. Review status: criteria provided, single submitter. Criteria: CeGaT Center For Human Genetics Tuebingen Variant Classification Criteria Version 2. Collection method: clinical testing. Allele origin: germline. Affected: yes. Observed: 1 variant allele.
Comment: SETX: PM2

GeneDx
Classification: Uncertain significance. Last evaluated: 2025-07-12. Review status: criteria provided, single submitter. Criteria: GeneDx Variant Classification Process June 2021. Collection method: clinical testing. Allele origin: germline. Affected: yes.
Comment: In silico analysis suggests that this missense variant does not alter protein structure/function; Has not been previously published as pathogenic or benign in association with a SETX-related disorder to our knowledge; This variant is associated with the following publications: (PMID: 34718612)

Ambry Genetics
Classification: Uncertain significance for Inborn genetic diseases. Last evaluated: 2025-06-26. Review status: criteria provided, single submitter. Criteria: Ambry Variant Classification Scheme 2023. Collection method: clinical testing. Allele origin: germline.
Comment: Unlikely to be causative of SETX-related juvenile amyotrophic lateral sclerosis (AD) Based on insufficient or conflicting evidence, the clinical significance of this alteration remains unclear.

Labcorp Genetics (formerly Invitae), Labcorp
Classification: Likely benign for Amyotrophic lateral sclerosis type 4; Spinocerebellar ataxia, autosomal recessive, with axonal neuropathy 2. Last evaluated: 2025-06-01. Review status: criteria provided, single submitter. Criteria: Invitae Variant Classification Sherloc (09022015). Collection method: clinical testing. Allele origin: germline.

PreventionGenetics, part of Exact Sciences
Classification: Uncertain significance for SETX-related condition. Last evaluated: 2024-03-06. Review status: no assertion criteria provided. Collection method: clinical testing. Allele origin: germline. Not counted in ClinVar's aggregate classification.
Comment: The SETX c.865G>A variant is predicted to result in the amino acid substitution p.Ala289Thr. To our knowledge, this variant has not been reported in the literature. This variant is reported in 0.0053% of alleles in individuals of European (Non-Finnish) descent in gnomAD. At this time, the clinical significance of this variant is uncertain due to the absence of conclusive functional and genetic evidence.

NM_015046.7(SETX):c.865G>A (p.Ala289Thr)

Gene: SETX (senataxin; minus strand). Cytogenetic location: 9q34.13.
Variant type: single nucleotide variant.
Coding change: c.865G>A on transcript NM_015046.7 (MANE Select); coding-DNA position 865, G replaced by A.
Protein change: p.Ala289Thr; replaces alanine 289 with threonine.
Molecular consequence: missense variant.
Genome position (GRCh38, 1-based): chr9:132,331,422, C>T on the plus strand (G>A on the coding strand, the complement: SETX is on the minus strand). VCF-style: chr9-132331422-C-T. GRCh37 (hg19) VCF-style: chr9-135206809-C-T.
Other names: c.865G>A, p.Ala289Thr (NM_001351527.2, NM_001351528.2); c.865G>A (NM_015046.5); short protein forms A289T.
Identifiers: ClinVar variation 1347482 (VCV001347482.12), dbSNP rs775579797, ClinGen allele CA5297904.